The following is an entry in ClinVar:

NM_001111.5(ADAR):c.2563_2564del (p.Leu855fs)

Genes: ADAR (adenosine deaminase RNA specific; minus strand), LOC126805874 (CDK7 strongly-dependent group 2 enhancer GRCh37_chr1:154561176-154562375; plus strand). Cytogenetic location: 1q21.3.
Variant type: Microsatellite.
Coding change: c.2563_2564del on transcript NM_001111.5 (MANE Select); coding-DNA positions 2563 to 2564, 2 bases deleted (CT; older notation c.2563_2564delCT).
Protein change: p.Leu855fs; shifts the reading frame from leucine 855.
Molecular consequence: frameshift variant.
Genome position (GRCh38, 1-based): chr1:154,589,861-154,589,862, AG deleted on the plus strand (CT on the coding strand, the reverse complement: ADAR is on the minus strand); deleting any 2 consecutive bases within chr1:154,589,861-154,589,864 gives the same sequence; the c. name uses the placement nearest the transcript's 3' end. VCF-style (leftmost placement, unchanged base first): chr1-154589860-CAG-C. GRCh37 (hg19) VCF-style: chr1-154562336-CAG-C.
Other names: c.1678_1679del, p.Leu560fs (NM_001025107.3, NM_001193495.2, NM_001365046.1 and 2 more transcripts); c.2590_2591del, p.Leu864fs (NM_001365045.1); c.1600_1601del, p.Leu534fs (NM_001365049.1); c.2485_2486del, p.Leu829fs (NM_015840.4); c.2428_2429del, p.Leu810fs (NM_015841.4); c.2563_2564del (NM_001111.4); short protein forms L534fs, L810fs, L855fs, L560fs, L829fs, L864fs.
Identifiers: ClinVar variation 2151898 (VCV002151898.7), dbSNP rs1366641379, ClinGen allele CA526666270.

ClinVar aggregate classification (germline): Conflicting classifications of pathogenicity. Review status: criteria provided, conflicting classifications (1 of 4 stars). 3 submissions from 3 submitters: Pathogenic (1); Likely pathogenic (1); Uncertain significance (1). Last evaluated 2024-10-28.

Conditions:
Symmetrical dyschromatosis of extremities (DSH). Also called: RETICULATE ACROPIGMENTATION OF DOHI; SYMMETRIC DYSCHROMATOSIS OF THE EXTREMITIES; Dyschromatosis symmetrica hereditaria; DYSCHROMATOSIS SYMMETRICA HEREDITARIA 1. Identifiers: Orphanet 41, MedGen C0406775, MONDO:0007483, OMIM 127400.
Aicardi-Goutieres syndrome 6 (AGS6). Identifiers: Orphanet 51, MedGen C3539013, MONDO:0014007, OMIM 615010.
ADAR-related disorder. Also called: ADAR-related condition; ADAR-related disorders.

Submissions (3):

Blueprint Genetics
Classification: Likely pathogenic for ADAR-related disorders. Last evaluated: 2024-10-28. Review status: criteria provided, single submitter. Criteria: ACMG Guidelines, 2015. Collection method: clinical testing. Allele origin: germline. Affected: yes. Observed: 1 variant allele.

GeneDx
Classification: Uncertain significance. Last evaluated: 2024-08-09. Review status: criteria provided, single submitter. Criteria: GeneDx Variant Classification Process June 2021. Collection method: clinical testing. Allele origin: germline.
Comment: Identified in a patient with dyschromatosis symmetrica hereditaria, however no clinical details or segregation information was provided (PMID: 29536976); Frameshift variant predicted to result in protein truncation or nonsense mediated decay in a gene for which loss of function is a known mechanism of disease; This variant is associated with the following publications: (PMID: 29536976)

Labcorp Genetics (formerly Invitae), Labcorp
Classification: Pathogenic for Aicardi-Goutieres syndrome 6; Symmetrical dyschromatosis of extremities. Last evaluated: 2022-06-14. Review status: criteria provided, single submitter. Criteria: Invitae Variant Classification Sherloc (09022015). Collection method: clinical testing. Allele origin: germline.
Comment: This sequence change creates a premature translational stop signal (p.Leu855Aspfs*2) in the ADAR gene. It is expected to result in an absent or disrupted protein product. Loss-of-function variants in ADAR are known to be pathogenic (PMID: 22974014). This variant is present in population databases (no rsID available, gnomAD 0.007%). This premature translational stop signal has been observed in individual(s) with dyschromatosis symmetrica hereditaria (PMID: 29536976). For these reasons, this variant has been classified as Pathogenic.

Literature cited by the submitters: PubMed 22974014 (cited by Labcorp Genetics (formerly Invitae), Labcorp); PubMed 29536976 (cited by Labcorp Genetics (formerly Invitae), Labcorp).